The following is an entry in ClinVar:

ClinVar aggregate classification (germline): Likely benign. Review status: criteria provided, multiple submitters, no conflicts (2 of 4 stars). 4 submissions from 4 submitters: Likely benign (4). Last evaluated 2024-12-14.

Conditions:
BRCA1-related cancer predisposition. Identifiers: MedGen CN377757, MONDO:0700268.
Hereditary breast ovarian cancer syndrome. Also called: Hereditary breast and ovarian cancer syndrome; Hereditary breast and ovarian cancer; Hereditary breast and ovarian cancer syndrome (HBOC); Breast and ovarian cancer; Hereditary breast and/or ovarian cancer syndrome; BRCA1- and BRCA2-Associated Hereditary Breast and Ovarian Cancer. Identifiers: Orphanet 145, MedGen C0677776, MeSH D061325, MONDO:0003582. Disease mechanism: loss of function.
Hereditary cancer-predisposing syndrome. Also called: Neoplastic Syndromes, Hereditary; Tumor predisposition; Hereditary Cancer Syndrome; Hereditary neoplastic syndrome. Identifiers: Orphanet 140162, MedGen C0027672, MeSH D009386, MONDO:0015356.

Allele frequency attached by ClinVar (database versions not stated): TOPMed below 0.00001.

Submissions (4):

Labcorp Genetics (formerly Invitae), Labcorp
Classification: Likely benign for Hereditary breast ovarian cancer syndrome. Last evaluated: 2024-12-14. Review status: criteria provided, single submitter. Criteria: Invitae Variant Classification Sherloc (09022015). Collection method: clinical testing. Allele origin: germline.

All of Us Research Program, National Institutes of Health
Classification: Likely benign for BRCA1-related cancer predisposition. Last evaluated: 2024-04-25. Review status: criteria provided, single submitter. Criteria: ACMG Guidelines, 2015. Collection method: clinical testing. Allele origin: germline. Inheritance: Autosomal dominant inheritance. Observed: 1 variant allele, 1 heterozygote.
Comment: This study involves interpretation of variants in research participants for the purpose of population health screening. Participant phenotype was not available at the time of variant classification. Additional details can be found in publication PMID: 35346344, PMCID: PMC8962531

Color Diagnostics, LLC DBA Color Health
Classification: Likely benign for Hereditary cancer-predisposing syndrome. Last evaluated: 2021-12-16. Review status: criteria provided, single submitter. Criteria: ACMG Guidelines, 2015. Collection method: clinical testing. Allele origin: germline.

Ambry Genetics
Classification: Likely benign for Hereditary cancer-predisposing syndrome. Last evaluated: 2016-04-07. Review status: criteria provided, single submitter. Criteria: Ambry Variant Classification Scheme 2023. Collection method: clinical testing. Allele origin: germline.

NM_007294.4(BRCA1):c.4437G>A (p.Val1479=)

Gene: BRCA1 (BRCA1 DNA repair associated; minus strand). Cytogenetic location: 17q21.31.
Variant type: single nucleotide variant.
Coding change: c.4437G>A on transcript NM_007294.4 (MANE Select); coding-DNA position 4437, G replaced by A.
Protein change: p.Val1479=; no amino-acid change (valine 1479 retained).
Molecular consequence: synonymous variant. On other transcripts: intron variant (3).
Genome position (GRCh38, 1-based): chr17:43,076,535, C>T on the plus strand (G>A on the coding strand, the complement: BRCA1 is on the minus strand). VCF-style: chr17-43076535-C-T. GRCh37 (hg19) VCF-style: chr17-41228552-C-T.
Other names: c.4224G>A, p.Val1408= (NM_001407571.1, NM_001407894.1, NM_001407895.1 and 12 more transcripts); c.4503G>A, p.Val1501= (NM_001407581.1, NM_001407582.1); c.4500G>A, p.Val1500= (NM_001407583.1, NM_001407585.1, NM_001407587.1 and 1 more transcripts); c.4497G>A, p.Val1499= (NM_001407590.1, NM_001407591.1); c.4437G>A, p.Val1479= (NM_001407593.1, NM_001407594.1, NM_001407596.1 and 8 more transcripts); c.4434G>A, p.Val1478= (NM_001407610.1, NM_001407611.1, NM_001407612.1 and 17 more transcripts); c.4431G>A, p.Val1477= (NM_001407627.1, NM_001407628.1, NM_001407629.1 and 14 more transcripts); c.4428G>A, p.Val1476= (NM_001407644.1, NM_001407645.1); and 71 more.
Identifiers: ClinVar variation 485382 (VCV000485382.16), dbSNP rs1232117701, ClinGen allele CA500146807.